The following is an entry in ClinVar:

ClinVar aggregate classification (germline): Likely benign. Review status: criteria provided, multiple submitters, no conflicts (2 of 4 stars). 4 submissions from 4 submitters: Likely benign (4). Last evaluated 2026-08-31.

Conditions:
Inborn genetic diseases. Identifiers: MedGen C0950123, MeSH D030342.

Allele frequency attached by ClinVar (database versions not stated): ExAC 0.00003; gnomAD exomes 0.00003 and 0.00008; TOPMed 0.00004; gnomAD 0.00005; ESP Exome Variant Server 0.00008.
gnomAD v4.1: 129 of 1,613,824 alleles (0.008%); highest among the groups gnomAD compares: Middle Eastern, 0.017%; no homozygotes.

Submissions (4):

Ambry Genetics
Classification: Likely benign for Inborn genetic diseases. Last evaluated: 2026-08-31. Review status: criteria provided, single submitter. Criteria: Ambry Variant Classification Scheme 2023. Collection method: clinical testing. Allele origin: germline.

CeGaT Center for Human Genetics Tuebingen
Classification: Likely benign. Last evaluated: 2026-08-01. Review status: criteria provided, single submitter. Criteria: CeGaT Center For Human Genetics Tuebingen Variant Classification Criteria Version 2. Collection method: clinical testing. Allele origin: germline. Affected: yes. Observed: 2 variant alleles.
Comment: CTNNB1: BP4, BP7

Labcorp Genetics (formerly Invitae), Labcorp
Classification: Likely benign. Last evaluated: 2025-07-30. Review status: criteria provided, single submitter. Criteria: Invitae Variant Classification Sherloc (09022015). Collection method: clinical testing. Allele origin: germline.

Blueprint Genetics
Classification: Likely benign. Last evaluated: 2024-11-05. Review status: criteria provided, single submitter. Criteria: ACMG Guidelines, 2015. Collection method: clinical testing. Allele origin: germline.

NM_001904.4(CTNNB1):c.891G>A (p.Thr297=)

Gene: CTNNB1 (catenin beta 1; plus strand). Cytogenetic location: 3p22.1.
Variant type: single nucleotide variant.
Coding change: c.891G>A on transcript NM_001904.4 (MANE Select); coding-DNA position 891, G replaced by A.
Protein change: p.Thr297=; no amino-acid change (threonine 297 retained).
Molecular consequence: synonymous variant.
Genome position (GRCh38, 1-based): chr3:41,225,816, G>A. VCF-style: chr3-41225816-G-A. GRCh37 (hg19) VCF-style: chr3-41267307-G-A.
Other names: c.891G>A, p.Thr297= (NM_001098209.2, NM_001098210.2); c.870G>A, p.Thr290= (NM_001330729.2); c.891G>A (NM_001904.3).
Identifiers: ClinVar variation 1565139 (VCV001565139.33), dbSNP rs370662884, ClinGen allele CA2330983.